The following is an entry in ClinVar:

ClinVar aggregate classification (germline): Likely pathogenic (1 of 4 stars; one submission).

Conditions:
Hereditary cancer-predisposing syndrome. Also called: Neoplastic Syndromes, Hereditary; Tumor predisposition; Hereditary neoplastic syndrome; Hereditary Cancer Syndrome. Identifiers: Orphanet 140162, MedGen C0027672, MeSH D009386, MONDO:0015356.
Cardiovascular phenotype. Identifiers: MedGen CN230736.

gnomAD v4.1: 3 of 626,312 alleles (0.00048%); highest among the groups gnomAD compares: Non-Finnish European, 0.00061%; no homozygotes.

Submission:

Ambry Genetics
Classification: Likely pathogenic for Cardiovascular phenotype; Hereditary cancer-predisposing syndrome. Last evaluated: 2024-10-08. Review status: criteria provided, single submitter. Criteria: Ambry Variant Classification Scheme 2023. Collection method: clinical testing. Allele origin: germline.
Comment: The c.1943-320G>C intronic variant results from a G to C substitution 320 nucleotides upstream from coding exon 17 in the LZTR1 gene. This nucleotide position is not well conserved in available vertebrate species. In silico splice site analysis predicts that this alteration may result in the creation or strengthening of novel splice donor and acceptor sites, creating a cryptic exon within the intron. RNA studies have demonstrated that this alteration results in abnormal splicing in the set of samples tested (Ambry internal data). Loss-of-function variants in LZTR1 are related to an increased risk for schwannomas and autosomal recessive Noonan syndrome; however, such associations with autosomal dominant Noonan syndrome have not been observed (Piotrowski A et al. Nat Genet. 2014 Feb;46:182-7; Yamamoto GL et al. J Med Genet. 2015 Jun;52:413-21; Johnston JJ et al. Genet Med. 2018 10;20:1175-1185). Based on the supporting evidence, this variant is likely pathogenic for an increased risk of LZTR1-related schwannomatosis (SWN) and would be expected to cause autosomal recessive Noonan syndrome when present along with a second pathogenic or likely pathogenic variant on the other allele; however, the association of this alteration with autosomal dominant Noonan syndrome is unlikely.

NM_006767.4(LZTR1):c.1943-320G>C

Gene: LZTR1 (leucine zipper like post translational regulator 1; plus strand). Cytogenetic location: 22q11.21.
Variant type: single nucleotide variant.
Coding change: c.1943-320G>C on transcript NM_006767.4 (MANE Select); 320 bases into the intron before coding-DNA position 1943, G replaced by C.
Molecular consequence: intron variant.
Genome position (GRCh38, 1-based): chr22:20,995,426, G>C. VCF-style: chr22-20995426-G-C. GRCh37 (hg19) VCF-style: chr22-21349715-G-C.
Identifiers: ClinVar variation 3238175 (VCV003238175.2), dbSNP rs766845746.